The following is an entry in ClinVar:

ClinVar aggregate classification (germline): Likely benign (0 of 4 stars; one submission).

Conditions:
ARFGEF3-related disorder. Also called: ARFGEF3-related condition.

Allele frequency attached by ClinVar (database versions not stated): ExAC 0.00049; ESP Exome Variant Server 0.00069; gnomAD 0.00075; TOPMed 0.00079; gnomAD exomes 0.00154.
gnomAD v4.1: 2,315 of 1,613,626 alleles (0.14%); highest among the groups gnomAD compares: Non-Finnish European, 0.19%; 1 homozygote.

Submission:

PreventionGenetics, part of Exact Sciences
Classification: Likely benign for ARFGEF3-related condition. Last evaluated: 2019-12-16. Review status: no assertion criteria provided. Collection method: clinical testing. Allele origin: germline.
Comment: This variant is classified as likely benign based on ACMG/AMP sequence variant interpretation guidelines (Richards et al. 2015 PMID: 25741868, with internal and published modifications).

NM_020340.5(ARFGEF3):c.948A>G (p.Gly316=)

Gene: ARFGEF3 (ARFGEF family member 3; plus strand). Cytogenetic location: 6q23.3.
Variant type: single nucleotide variant.
Coding change: c.948A>G on transcript NM_020340.5 (MANE Select); coding-DNA position 948, A replaced by G.
Protein change: p.Gly316=; no amino-acid change (glycine 316 retained).
Molecular consequence: synonymous variant.
Genome position (GRCh38, 1-based): chr6:138,255,613, A>G. VCF-style: chr6-138255613-A-G. GRCh37 (hg19) VCF-style: chr6-138576750-A-G.
Identifiers: ClinVar variation 3052686 (VCV003052686.2), dbSNP rs144437178, ClinGen allele CA4020465.